The following is an entry in ClinVar:

NM_000038.6(APC):c.3376A>G (p.Ser1126Gly)

Gene: APC (APC regulator of Wnt signaling pathway; plus strand). Cytogenetic location: 5q22.2.
Variant type: single nucleotide variant.
Coding change: c.3376A>G on transcript NM_000038.6 (MANE Select); coding-DNA position 3376, A replaced by G.
Protein change: p.Ser1126Gly; replaces serine 1126 with glycine.
Molecular consequence: missense variant.
Genome position (GRCh38, 1-based): chr5:112,838,970, A>G. VCF-style: chr5-112838970-A-G. GRCh37 (hg19) VCF-style: chr5-112174667-A-G.
Other names: c.3376A>G, p.Ser1126Gly (NM_001127510.3, NM_001354895.2); c.3322A>G, p.Ser1108Gly (NM_001127511.3); c.3430A>G, p.Ser1144Gly (NM_001354896.2); c.3406A>G, p.Ser1136Gly (NM_001354897.2); c.3301A>G, p.Ser1101Gly (NM_001354898.2); c.3292A>G, p.Ser1098Gly (NM_001354899.2); c.3253A>G, p.Ser1085Gly (NM_001354900.2); c.3199A>G, p.Ser1067Gly (NM_001354901.2); and 5 more; short protein forms S1085G, S1108G, S1000G, S1035G, S1067G, S1098G, S1101G, S1126G.
Identifiers: ClinVar variation 836398 (VCV000836398.17), dbSNP rs1561584350, ClinGen allele CA16028730.

ClinVar aggregate classification (germline): Conflicting classifications of pathogenicity. Review status: criteria provided, conflicting classifications (1 of 4 stars). 4 submissions from 4 submitters: Uncertain significance (3); Benign (1). Last evaluated 2025-07-19.

Conditions:
Classic or attenuated familial adenomatous polyposis. Identifiers: MedGen CN372698, MONDO:0021057.
Hereditary cancer-predisposing syndrome. Also called: Hereditary neoplastic syndrome; Neoplastic Syndromes, Hereditary; Tumor predisposition; Hereditary Cancer Syndrome. Identifiers: Orphanet 140162, MedGen C0027672, MeSH D009386, MONDO:0015356.
Ovarian cancer. Also called: OVARIAN CANCER, SOMATIC. Identifiers: Orphanet 213500, MedGen C1140680, MONDO:0008170, OMIM 167000.
Familial adenomatous polyposis 1 (FAP1). Also called: POLYPOSIS, ADENOMATOUS INTESTINAL; FAMILIAL ADENOMATOUS POLYPOSIS 1, ATTENUATED. Identifiers: MedGen C2713442, MONDO:0021056, OMIM 175100. Disease mechanism: loss of function.

Submissions (4):

Ambry Genetics
Classification: Uncertain significance for Hereditary cancer-predisposing syndrome. Last evaluated: 2025-07-19. Review status: criteria provided, single submitter. Criteria: Ambry Variant Classification Scheme 2023. Collection method: clinical testing. Allele origin: germline.
Comment: The p.S1126G variant (also known as c.3376A>G), located in coding exon 15 of the APC gene, results from an A to G substitution at nucleotide position 3376. The serine at codon 1126 is replaced by glycine, an amino acid with similar properties. This amino acid position is poorly conserved in available vertebrate species. In addition, in silico predictors for this gene do not accurately predict pathogenicity. Since supporting evidence is limited at this time, the clinical significance of this alteration remains unclear.

Labcorp Genetics (formerly Invitae), Labcorp
Classification: Uncertain significance for Familial adenomatous polyposis 1. Last evaluated: 2024-07-03. Review status: criteria provided, single submitter. Criteria: Invitae Variant Classification Sherloc (09022015). Collection method: clinical testing. Allele origin: germline.
Comment: This sequence change replaces serine, which is neutral and polar, with glycine, which is neutral and non-polar, at codon 1126 of the APC protein (p.Ser1126Gly). This variant is not present in population databases (gnomAD no frequency). This variant has not been reported in the literature in individuals affected with APC-related conditions. ClinVar contains an entry for this variant (Variation ID: 836398). Advanced modeling of protein sequence and biophysical properties (such as structural, functional, and spatial information, amino acid conservation, physicochemical variation, residue mobility, and thermodynamic stability) performed at Invitae indicates that this missense variant is not expected to disrupt APC protein function with a negative predictive value of 95%. In summary, the available evidence is currently insufficient to determine the role of this variant in disease. Therefore, it has been classified as a Variant of Uncertain Significance.

All of Us Research Program, National Institutes of Health
Classification: Uncertain significance for Classic or attenuated familial adenomatous polyposis. Last evaluated: 2024-03-05. Review status: criteria provided, single submitter. Criteria: ACMG Guidelines, 2015. Collection method: clinical testing. Allele origin: germline. Inheritance: Autosomal dominant inheritance. Observed: 2 variant alleles, 2 heterozygotes.
Comment: This missense variant replaces serine with glycine at codon 1126 of the APC protein. Computational prediction suggests that this variant may not impact protein structure and function (internally defined REVEL score threshold <= 0.5, PMID: 27666373). To our knowledge, functional studies have not been reported for this variant. This variant has not been reported in individuals affected with APC-related disorders in the literature. This variant has not been identified in the general population by the Genome Aggregation Database (gnomAD). The available evidence is insufficient to determine the role of this variant in disease conclusively. Therefore, this variant is classified as a Variant of Uncertain Significance.

This study involves interpretation of variants in research participants for the purpose of population health screening. Participant phenotype was not available at the time of variant classification. Additional details can be found in publication PMID: 35346344, PMCID: PMC8962531

Laboratory of Molecular Epidemiology of Birth Defects, West China Second University Hospital, Sichuan University
Classification: Benign for Ovarian cancer. Last evaluated: 2022-01-01. Review status: criteria provided, single submitter. Criteria: ACMG Guidelines, 2015. Collection method: clinical testing. Allele origin: germline. Affected: yes.